The following is an entry in ClinVar:

ClinVar aggregate classification (germline): Uncertain significance (1 of 4 stars; one submission).

Submission:

Labcorp Genetics (formerly Invitae), Labcorp
Classification: Uncertain significance. Last evaluated: 2020-07-10. Review status: criteria provided, single submitter. Criteria: Invitae Variant Classification Sherloc (09022015). Collection method: clinical testing. Allele origin: germline.
Comment: This variant has not been reported in the literature in individuals with COL4A3-related conditions. In summary, the available evidence is currently insufficient to determine the role of this variant in disease. Therefore, it has been classified as a Variant of Uncertain Significance. Algorithms developed to predict the effect of missense changes on protein structure and function are either unavailable or do not agree on the potential impact of this missense change (SIFT: "Tolerated"; PolyPhen-2: "Probably Damaging"; Align-GVGD: "Class C0"). This variant is not present in population databases (ExAC no frequency). This sequence change replaces glycine with aspartic acid at codon 398 of the COL4A3 protein (p.Gly398Asp). The glycine residue is highly conserved and there is a moderate physicochemical difference between glycine and aspartic acid.

NM_000091.5(COL4A3):c.1193G>A (p.Gly398Asp)

Genes: COL4A3 (collagen type IV alpha 3 chain; plus strand), MFF-DT (MFF divergent transcript; minus strand). Cytogenetic location: 2q36.3.
Variant type: single nucleotide variant.
Coding change: c.1193G>A on transcript NM_000091.5 (MANE Select); coding-DNA position 1193, G replaced by A.
Protein change: p.Gly398Asp; replaces glycine 398 with aspartic acid.
Molecular consequence: missense variant.
Genome position (GRCh38, 1-based): chr2:227,263,822, G>A. VCF-style: chr2-227263822-G-A. GRCh37 (hg19) VCF-style: chr2-228128538-G-A.
Other names: short protein forms G398D.
Identifiers: ClinVar variation 1005607 (VCV001005607.8), dbSNP rs2070735812, ClinGen allele CA350868758.